The following is an entry in ClinVar:

ClinVar aggregate classification (germline): Uncertain significance (1 of 4 stars; one submission).

Allele frequency attached by ClinVar (database versions not stated): gnomAD exomes below 0.00001; TOPMed 0.00001.
gnomAD v4.1: 3 of 1,606,602 alleles (0.00019%); highest among the groups gnomAD compares: Non-Finnish European, 0.000085%; no homozygotes.

Submission:

GeneDx
Classification: Uncertain significance. Last evaluated: 2023-05-16. Review status: criteria provided, single submitter. Criteria: GeneDx Variant Classification Process June 2021. Collection method: clinical testing. Allele origin: germline. Affected: yes.
Comment: Not observed at significant frequency in large population cohorts (gnomAD); In silico analysis supports that this missense variant has a deleterious effect on protein structure/function; Has not been previously published as pathogenic or benign to our knowledge

NM_001378414.1(HDAC4):c.178C>T (p.Pro60Ser)

Gene: HDAC4 (histone deacetylase 4; minus strand). Cytogenetic location: 2q37.3.
Variant type: single nucleotide variant.
Coding change: c.178C>T on transcript NM_001378414.1 (MANE Select); coding-DNA position 178, C replaced by T.
Protein change: p.Pro60Ser; replaces proline 60 with serine.
Molecular consequence: missense variant.
Genome position (GRCh38, 1-based): chr2:239,189,994, G>A on the plus strand (C>T on the coding strand, the complement: HDAC4 is on the minus strand). VCF-style: chr2-239189994-G-A. GRCh37 (hg19) VCF-style: chr2-240111690-G-A.
Other names: c.178C>T, p.Pro60Ser (NM_001378415.1, NM_001378416.1, NM_001378417.1 and 1 more transcripts); short protein forms P60S.
Identifiers: ClinVar variation 2502808 (VCV002502808.1), dbSNP rs1159887347, ClinGen allele CA351275809.